The following is an entry in ClinVar:

ClinVar aggregate classification (germline): Pathogenic/Likely pathogenic. Review status: criteria provided, multiple submitters, no conflicts (2 of 4 stars). 3 submissions from 3 submitters: Pathogenic (1); Likely pathogenic (2). Last evaluated 2025-09-29.

Conditions:
Hearing loss, X-linked 4 (DFNX4). Also called: DEAFNESS, NONSYNDROMIC SENSORINEURAL PROGRESSIVE 6; DEAFNESS, X-LINKED 6, PROGRESSIVE. Identifiers: Orphanet 90625, MedGen C1848204, MONDO:0010238, OMIM 300066.

Submissions (3):

Variantyx, Inc.
Classification: Likely pathogenic for Hearing loss, X-linked 4. Last evaluated: 2025-09-29. Review status: criteria provided, single submitter. Criteria: Variantyx Assertion Criteria 2022. Collection method: clinical testing. Allele origin: maternal. Inheritance: X-linked dominant inheritance. Affected: yes.
Comment: This is a frameshift variant in the SMPX gene (OMIM: 300226). Pathogenic variants in this gene have been associated with X-linked deafness 4. This variant introduces a premature termination codon in exon 3 out of 5 and is expected to result in loss of function, which is a known disease mechanism for SMPX in this disorder (PMID: 22911656, 21549342, 21549336) (PVS1). This variant has a 0.0001% maximum allele frequency in non-founder control populations (PM2). Based on the current evidence, this variant is classified as likely pathogenic for X-linked deafness 4.

Labcorp Genetics (formerly Invitae), Labcorp
Classification: Pathogenic. Last evaluated: 2025-06-04. Review status: criteria provided, single submitter. Criteria: Invitae Variant Classification Sherloc (09022015). Collection method: clinical testing. Allele origin: germline.
Comment: This sequence change creates a premature translational stop signal (p.Arg34Glnfs*8) in the SMPX gene. It is expected to result in an absent or disrupted protein product. Loss-of-function variants in SMPX are known to be pathogenic (PMID: 21549336, 21549342, 22911656). This variant is not present in population databases (gnomAD no frequency). This variant has not been reported in the literature in individuals affected with SMPX-related conditions. ClinVar contains an entry for this variant (Variation ID: 445653). For these reasons, this variant has been classified as Pathogenic.

Center for Pediatric Genomic Medicine, Children's Mercy Hospital and Clinics
Classification: Likely pathogenic. Last evaluated: 2017-05-09. Review status: criteria provided, single submitter. Criteria: ACMG Guidelines, 2015. Collection method: clinical testing. Allele origin: germline.

Literature cited by the submitters: PubMed 22911656 (cited by Variantyx, Inc. and Labcorp Genetics (formerly Invitae), Labcorp); PubMed 21549342 (cited by Variantyx, Inc. and Labcorp Genetics (formerly Invitae), Labcorp); PubMed 21549336 (cited by Variantyx, Inc. and Labcorp Genetics (formerly Invitae), Labcorp).

NM_014332.3(SMPX):c.99dup (p.Arg34fs)

Gene: SMPX (small muscle protein X-linked; minus strand). Cytogenetic location: Xp22.12.
Variant type: Duplication.
Coding change: c.99dup on transcript NM_014332.3 (MANE Select); coding-DNA position 99, one base duplicated (C; older notation c.99dupC).
Protein change: p.Arg34fs; shifts the reading frame from arginine 34.
Molecular consequence: frameshift variant. On other transcripts: non-coding transcript variant (1).
Genome position (GRCh38, 1-based): chrX:21,743,783, G duplicated on the plus strand (C on the coding strand, the reverse complement: SMPX is on the minus strand); the first of 6 consecutive G bases (chrX:21,743,783-21,743,788); duplicating any one gives the same sequence. VCF-style (leftmost placement, unchanged base first): chrX-21743782-T-TG. GRCh37 (hg19) VCF-style: chrX-21761900-T-TG.
Other names: short protein forms R34fs.
Identifiers: ClinVar variation 445653 (VCV000445653.3), dbSNP rs398122930, ClinGen allele CA10367229.